The following is an entry in ClinVar:

ClinVar aggregate classification (germline): Benign (1 of 4 stars; one submission).

Conditions:
Melanoma-pancreatic cancer syndrome. Identifiers: Orphanet 404560, MedGen C1838547, MONDO:0011713, OMIM 606719. Disease mechanism: loss of function.

Submission:

Myriad Genetics, Inc.
Classification: Benign for Melanoma-pancreatic cancer syndrome. Last evaluated: 2025-08-18. Review status: criteria provided, single submitter. Criteria: Myriad Autosomal Dominant, Autosomal Recessive and X-Linked Classification Criteria (2023). Collection method: clinical testing. Allele origin: unknown.
Comment: This variant is considered benign. This variant is intronic and is not expected to impact mRNA splicing.

NM_000077.5(CDKN2A):c.458-30T>A

Gene: CDKN2A (cyclin dependent kinase inhibitor 2A; minus strand). Cytogenetic location: 9p21.3.
Variant type: single nucleotide variant.
Coding change: c.458-30T>A on transcript NM_000077.5 (MANE Select); 30 bases into the intron before coding-DNA position 458, T replaced by A.
Molecular consequence: intron variant.
Genome position (GRCh38, 1-based): chr9:21,968,272, A>T on the plus strand (T>A on the coding strand, the complement: CDKN2A is on the minus strand). VCF-style: chr9-21968272-A-T. GRCh37 (hg19) VCF-style: chr9-21968271-A-T.
Other names: c.305-30T>A (NM_001363763.2); c.*102-30T>A (NM_058195.4); c.*151-30T>A (NM_001195132.2); c.*381-30T>A (NM_058197.5).
Identifiers: ClinVar variation 4294215 (VCV004294215.1).
Genomic context (GRCh38, chr9:21,968,272, plus strand): 5'-GAGCCTCTCTGGTTCTTTCAATCGGGGATGTCTGCAGAGGGCAGAAAGAAAACAGGCGTT[A>T]GAAACCTGAGGTCAAAGATGTGTGGCACATCCCGCCCTCCTCTCTTGCCGTCCCTACCGG-3'